The following is an entry in ClinVar:

ClinVar aggregate classification (germline): Benign/Likely benign. Review status: criteria provided, multiple submitters, no conflicts (2 of 4 stars). 10 submissions from 9 submitters: Benign (9); Likely benign (1). Last evaluated 2026-09-21.

Conditions:
Fibromuscular dysplasia, multifocal. Identifiers: MedGen C5543412, MONDO:0859151, OMIM 619329.
Ehlers-Danlos syndrome, classic type, 1 (EDSCL1). Also called: Ehlers-Danlos Syndrome, Classic Type, COL5A1-Related; EHLERS-DANLOS SYNDROME, GRAVIS TYPE; EHLERS-DANLOS SYNDROME, SEVERE CLASSIC TYPE; Ehlers-Danlos syndrome, type 1; EDS I. Identifiers: MedGen C0268335, MONDO:0019567, OMIM 130000.
Familial thoracic aortic aneurysm and aortic dissection (TAAD). Also called: Thoracic aortic aneurysms and dissections. Identifiers: Orphanet 91387, MedGen C4707243, MONDO:0019625.

Allele frequency attached by ClinVar (database versions not stated): gnomAD exomes 0.00165 and 0.00063; ExAC 0.00198; 1000 Genomes Project 30x 0.00843; gnomAD 0.00639 and 0.00682; 1000 Genomes Project 0.00739; ESP Exome Variant Server 0.00746; TOPMed 0.00782.
gnomAD v4.1: 1,923 of 1,613,390 alleles (0.12%); highest among the groups gnomAD compares: African/African-American, 2.3%; 31 homozygotes.

Submissions (10):

Molecular Diagnostic Laboratory for Inherited Cardiovascular Disease, Montreal Heart Institute
Classification: Benign. Last evaluated: 2026-09-21. Review status: criteria provided, single submitter. Criteria: ACMG Guidelines, 2015. Collection method: clinical testing. Allele origin: germline. Affected: no.

Labcorp Genetics (formerly Invitae), Labcorp
Classification: Benign for Ehlers-Danlos syndrome, classic type, 1. Last evaluated: 2026-02-03. Review status: criteria provided, single submitter. Criteria: Invitae Variant Classification Sherloc (09022015). Collection method: clinical testing. Allele origin: germline.

Women's Health and Genetics/Laboratory Corporation of America, LabCorp
Classification: Benign. Last evaluated: 2023-07-21. Review status: criteria provided, single submitter. Criteria: LabCorp Variant Classification Summary - May 2015. Collection method: clinical testing. Allele origin: germline.

Mayo Clinic Laboratories, Mayo Clinic
Classification: Benign. Last evaluated: 2022-06-15. Review status: criteria provided, single submitter. Criteria: ACMG Guidelines, 2015. Collection method: clinical testing. Allele origin: germline. Observed: 14 variant alleles.
Comment: BS1, BS2, BP4, BP7

Genome-Nilou Lab
Classification: Benign for Ehlers-Danlos syndrome, classic type, 1. Last evaluated: 2022-03-15. Review status: criteria provided, single submitter. Criteria: ACMG Guidelines, 2015. Collection method: clinical testing. Allele origin: germline. Affected: no.

Genome-Nilou Lab
Classification: Benign for Fibromuscular dysplasia, multifocal. Last evaluated: 2022-03-15. Review status: criteria provided, single submitter. Criteria: ACMG Guidelines, 2015. Collection method: clinical testing. Allele origin: germline. Affected: no.

Ambry Genetics
Classification: Benign for Familial thoracic aortic aneurysm and aortic dissection. Last evaluated: 2016-06-15. Review status: criteria provided, single submitter. Criteria: Ambry Variant Classification Scheme 2023. Collection method: clinical testing. Allele origin: germline.

GeneDx
Classification: Benign. Last evaluated: 2014-05-14. Review status: criteria provided, single submitter. Criteria: GeneDx Variant Classification (06012015). Collection method: clinical testing. Allele origin: germline. Affected: yes.
Comment: This variant is considered likely benign or benign based on one or more of the following criteria: it is a conservative change, it occurs at a poorly conserved position in the protein, it is predicted to be benign by multiple in silico algorithms, and/or has population frequency not consistent with disease.

Breakthrough Genomics
Classification: Likely benign. Review status: criteria provided, single submitter. Criteria: ACMG Guidelines, 2015. Collection method: not provided. Allele origin: germline. Inheritance: Autosomal dominant inheritance. Affected: yes.

PreventionGenetics, part of Exact Sciences
Classification: Benign. Review status: criteria provided, single submitter. Criteria: ACMG Guidelines, 2015. Collection method: clinical testing. Allele origin: germline.

NM_000093.5(COL5A1):c.1566G>A (p.Leu522=)

Gene: COL5A1 (collagen type V alpha 1 chain; plus strand). Cytogenetic location: 9q34.3.
Variant type: single nucleotide variant.
Coding change: c.1566G>A on transcript NM_000093.5 (MANE Select); coding-DNA position 1566, G replaced by A.
Protein change: p.Leu522=; no amino-acid change (leucine 522 retained).
Molecular consequence: synonymous variant.
Genome position (GRCh38, 1-based): chr9:134,750,613, G>A. VCF-style: chr9-134750613-G-A. GRCh37 (hg19) VCF-style: chr9-137642459-G-A.
Other names: p.L522L:CTG>CTA; p.Leu522=; c.1566G>A, p.Leu522= (NM_001278074.1).
Identifiers: ClinVar variation 136860 (VCV000136860.26), dbSNP rs61737941, ClinGen allele CA290226.